The following is an entry in ClinVar:

ClinVar aggregate classification (germline): Uncertain significance (1 of 4 stars; one submission).

Conditions:
Familial adenomatous polyposis 1 (FAP1). Also called: POLYPOSIS, ADENOMATOUS INTESTINAL; FAMILIAL ADENOMATOUS POLYPOSIS 1, ATTENUATED. Identifiers: MedGen C2713442, MONDO:0021056, OMIM 175100. Disease mechanism: loss of function.

gnomAD v4.1: 3 of 1,612,828 alleles (0.00019%); highest among the groups gnomAD compares: South Asian, 0.0033%; no homozygotes.

Submission:

Labcorp Genetics (formerly Invitae), Labcorp
Classification: Uncertain significance for Familial adenomatous polyposis 1. Last evaluated: 2023-10-05. Review status: criteria provided, single submitter. Criteria: Invitae Variant Classification Sherloc (09022015). Collection method: clinical testing. Allele origin: germline.
Comment: This sequence change replaces glutamic acid, which is acidic and polar, with glycine, which is neutral and non-polar, at codon 658 of the APC protein (p.Glu658Gly). This variant is not present in population databases (gnomAD no frequency). This variant has not been reported in the literature in individuals affected with APC-related conditions. Advanced modeling of protein sequence and biophysical properties (such as structural, functional, and spatial information, amino acid conservation, physicochemical variation, residue mobility, and thermodynamic stability) performed at Invitae indicates that this missense variant is not expected to disrupt APC protein function. In summary, the available evidence is currently insufficient to determine the role of this variant in disease. Therefore, it has been classified as a Variant of Uncertain Significance.

NM_000038.6(APC):c.1973A>G (p.Glu658Gly)

Gene: APC (APC regulator of Wnt signaling pathway; plus strand). Cytogenetic location: 5q22.2.
Variant type: single nucleotide variant.
Coding change: c.1973A>G on transcript NM_000038.6 (MANE Select); coding-DNA position 1973, A replaced by G.
Protein change: p.Glu658Gly; replaces glutamic acid 658 with glycine.
Molecular consequence: missense variant. On other transcripts: non-coding transcript variant (2).
Genome position (GRCh38, 1-based): chr5:112,837,567, A>G. VCF-style: chr5-112837567-A-G. GRCh37 (hg19) VCF-style: chr5-112173264-A-G.
Other names: c.1973A>G, p.Glu658Gly (NM_001127510.3, NM_001354895.2, NM_001407450.1); c.1919A>G, p.Glu640Gly (NM_001127511.3); c.2027A>G, p.Glu676Gly (NM_001354896.2, NM_001407447.1, NM_001407448.1 and 1 more transcripts); c.2003A>G, p.Glu668Gly (NM_001354897.2); c.1898A>G, p.Glu633Gly (NM_001354898.2); c.1889A>G, p.Glu630Gly (NM_001354899.2); c.1850A>G, p.Glu617Gly (NM_001354900.2); c.1796A>G, p.Glu599Gly (NM_001354901.2, NM_001407453.1); and 11 more; short protein forms E274G, E375G, E617G, E633G, E648G, E651G, E676G, E498G.
Identifiers: ClinVar variation 2765905 (VCV002765905.3), dbSNP rs777980327, ClinGen allele CA16025628.